The following is an entry in ClinVar:

ClinVar aggregate classification (germline): Benign/Likely benign. Review status: criteria provided, multiple submitters, no conflicts (2 of 4 stars). 4 submissions from 4 submitters: Benign (1); Likely benign (2). 1 of the submissions does not count toward it. Last evaluated 2026-01-24.

Conditions:
COL17A1-related disorder. Also called: COL17A1-related condition.
Junctional epidermolysis bullosa, non-Herlitz type. Also called: EPIDERMOLYSIS BULLOSA JUNCTIONALIS, DISENTIS TYPE; EPIDERMOLYSIS BULLOSA JUNCTIONALIS, NON-HERLITZ TYPE; EPIDERMOLYSIS BULLOSA JUNCTIONALIS, PROGRESSIVE; EPIDERMOLYSIS BULLOSA JUNCTIONALIS, SEVERE NONLETHAL; COL17A1-Related Junctional Epidermolysis Bullosa; Epidermolysis bullosa, junctional, non-herlitz type, somatic mosaic revertant. Identifiers: Orphanet 251393, Orphanet 79402, Orphanet 79405, Orphanet 89840, MedGen C0268374, MONDO:0009180, OMIM 226650.

Allele frequency attached by ClinVar (database versions not stated): 1000 Genomes Project 30x 0.00094; 1000 Genomes Project 0.00100; TOPMed 0.00148; ESP Exome Variant Server 0.00238.
gnomAD v4.1: 595 of 1,614,002 alleles (0.037%); highest among the groups gnomAD compares: African/African-American, 0.51%; 3 homozygotes.

Submissions (4):

Labcorp Genetics (formerly Invitae), Labcorp
Classification: Benign. Last evaluated: 2026-01-24. Review status: criteria provided, single submitter. Criteria: Invitae Variant Classification Sherloc (09022015). Collection method: clinical testing. Allele origin: germline.

Blueprint Genetics
Classification: Likely benign. Last evaluated: 2024-08-21. Review status: criteria provided, single submitter. Criteria: ACMG Guidelines, 2015. Collection method: clinical testing. Allele origin: germline.

Illumina Laboratory Services, Illumina
Classification: Likely benign for Junctional epidermolysis bullosa, non-Herlitz type. Last evaluated: 2018-01-12. Review status: criteria provided, single submitter. Criteria: ICSL Variant Classification Criteria 13 December 2019. Collection method: clinical testing. Allele origin: germline.
Comment: This variant was observed in the ICSL laboratory as part of a predisposition screen in an ostensibly healthy population. It had not been previously curated by ICSL or reported in the Human Gene Mutation Database (HGMD: prior to June 1st, 2018), and was therefore a candidate for classification through an automated scoring system. Utilizing variant allele frequency, disease prevalence and penetrance estimates, and inheritance mode, an automated score was calculated to assess if this variant is too frequent to cause the disease. Based on the score and internal cut-off values, a variant classified as likely benign is not then subjected to further curation. The score for this variant resulted in a classification of likely benign for this disease.

PreventionGenetics, part of Exact Sciences
Classification: Likely benign for COL17A1-related condition. Last evaluated: 2024-04-15. Review status: no assertion criteria provided. Collection method: clinical testing. Allele origin: germline. Not counted in ClinVar's aggregate classification.
Comment: This variant is classified as likely benign based on ACMG/AMP sequence variant interpretation guidelines (Richards et al. 2015 PMID: 25741868, with internal and published modifications).

NM_000494.4(COL17A1):c.990A>G (p.Thr330=)

Gene: COL17A1 (collagen type XVII alpha 1 chain; minus strand). Cytogenetic location: 10q25.1.
Variant type: single nucleotide variant.
Coding change: c.990A>G on transcript NM_000494.4 (MANE Select); coding-DNA position 990, A replaced by G.
Protein change: p.Thr330=; no amino-acid change (threonine 330 retained).
Molecular consequence: synonymous variant.
Genome position (GRCh38, 1-based): chr10:104,060,270, T>C on the plus strand (A>G on the coding strand, the complement: COL17A1 is on the minus strand). VCF-style: chr10-104060270-T-C. GRCh37 (hg19) VCF-style: chr10-105820028-T-C.
Other names: c.990A>G, p.Thr330= (LRG_1249t1).
Identifiers: ClinVar variation 298742 (VCV000298742.12), dbSNP rs142852551, ClinGen allele CA5679192.